The following is an entry in ClinVar:

ClinVar aggregate classification (germline): Benign/Likely benign. Review status: criteria provided, multiple submitters, no conflicts (2 of 4 stars). 5 submissions from 5 submitters: Benign (1); Likely benign (3). 1 of the submissions does not count toward it. Last evaluated 2026-01-30.

Conditions:
CEP104-related disorder. Also called: CEP104-related condition.
Joubert syndrome 25 (JBTS25). Identifiers: Orphanet 475, MedGen C4084842, MONDO:0014770, OMIM 616781.

Allele frequency attached by ClinVar (database versions not stated): gnomAD exomes 0.00153; ExAC 0.00199; 1000 Genomes Project 0.00479; 1000 Genomes Project 30x 0.00547; gnomAD 0.00601 and 0.00657; TOPMed 0.00695; ESP Exome Variant Server 0.00700.
gnomAD v4.1: 1,784 of 1,613,628 alleles (0.11%); highest among the groups gnomAD compares: African/African-American, 2.1%; 17 homozygotes.

Submissions (5):

Labcorp Genetics (formerly Invitae), Labcorp
Classification: Benign for Joubert syndrome 25. Last evaluated: 2026-01-30. Review status: criteria provided, single submitter. Criteria: Invitae Variant Classification Sherloc (09022015). Collection method: clinical testing. Allele origin: germline.

Blueprint Genetics
Classification: Likely benign. Last evaluated: 2024-11-13. Review status: criteria provided, single submitter. Criteria: ACMG Guidelines, 2015. Collection method: clinical testing. Allele origin: germline.

GeneDx
Classification: Likely benign. Last evaluated: 2021-08-05. Review status: criteria provided, single submitter. Criteria: GeneDx Variant Classification Process June 2021. Collection method: clinical testing. Allele origin: germline. Affected: yes.

Breakthrough Genomics
Classification: Likely benign. Review status: criteria provided, single submitter. Criteria: ACMG Guidelines, 2015. Collection method: not provided. Allele origin: germline. Inheritance: Autosomal recessive inheritance. Affected: yes.

PreventionGenetics, part of Exact Sciences
Classification: Benign for CEP104-related condition. Last evaluated: 2019-09-05. Review status: no assertion criteria provided. Collection method: clinical testing. Allele origin: germline. Not counted in ClinVar's aggregate classification.
Comment: This variant is classified as benign based on ACMG/AMP sequence variant interpretation guidelines (Richards et al. 2015 PMID: 25741868, with internal and published modifications).

NM_014704.4(CEP104):c.177G>A (p.Leu59=)

Gene: CEP104 (centrosomal protein 104; minus strand). Cytogenetic location: 1p36.32.
Variant type: single nucleotide variant.
Coding change: c.177G>A on transcript NM_014704.4 (MANE Select); coding-DNA position 177, G replaced by A.
Protein change: p.Leu59=; no amino-acid change (leucine 59 retained).
Molecular consequence: synonymous variant.
Genome position (GRCh38, 1-based): chr1:3,848,718, C>T on the plus strand (G>A on the coding strand, the complement: CEP104 is on the minus strand). VCF-style: chr1-3848718-C-T. GRCh37 (hg19) VCF-style: chr1-3765282-C-T.
Identifiers: ClinVar variation 475459 (VCV000475459.17), dbSNP rs79859848, ClinGen allele CA552032.